The following is an entry in ClinVar:

ClinVar aggregate classification (germline): Uncertain significance (1 of 4 stars; one submission).

Submission:

Dasa
Classification: Uncertain significance. Last evaluated: 2026-04-22. Review status: criteria provided, single submitter. Criteria: DASA Assertion Criteria. Collection method: clinical testing. Allele origin: germline.
Comment: NM_014698.3(TMEM63A):c.1991A>G (p.His664Arg) is a missense variant that results in the substitution of histidine with arginine. This variant is rare in population databases. The currently available literature and clinical evidence are not sufficient to establish a definitive association between this variant and the reported condition. Therefore, this variant is classified as a variant of uncertain significance.

NM_014698.3(TMEM63A):c.1991A>G (p.His664Arg)

Gene: TMEM63A (transmembrane protein 63A; minus strand). Cytogenetic location: 1q42.12.
Variant type: single nucleotide variant.
Coding change: c.1991A>G on transcript NM_014698.3 (MANE Select); coding-DNA position 1991, A replaced by G.
Protein change: p.His664Arg; replaces histidine 664 with arginine.
Molecular consequence: missense variant.
Genome position (GRCh38, 1-based): chr1:225,849,992, T>C on the plus strand (A>G on the coding strand, the complement: TMEM63A is on the minus strand). VCF-style: chr1-225849992-T-C. GRCh37 (hg19) VCF-style: chr1-226037693-T-C.
Other names: short protein forms H664R.
Identifiers: ClinVar variation 4881582 (VCV004881582.2).